The following is an entry in ClinVar:

ClinVar aggregate classification (germline): Uncertain significance. Review status: criteria provided, multiple submitters, no conflicts (2 of 4 stars). 2 submissions from 2 submitters: Uncertain significance (2). Last evaluated 2023-12-26.

Conditions:
Aortic aneurysm, familial thoracic 4 (AAT4). Also called: AORTIC ANEURYSM/AORTIC DISSECTION AND PATENT DUCTUS ARTERIOSUS. Identifiers: MedGen C1851504, MONDO:0007568, OMIM 132900.
Familial thoracic aortic aneurysm and aortic dissection (TAAD). Also called: Thoracic aortic aneurysms and dissections. Identifiers: Orphanet 91387, MedGen C4707243, MONDO:0019625.

Allele frequency attached by ClinVar (database versions not stated): gnomAD exomes below 0.00001.
gnomAD v4.1: 3 of 1,614,034 alleles (0.00019%); highest among the groups gnomAD compares: Admixed American, 0.005%; no homozygotes.

Submissions (2):

Labcorp Genetics (formerly Invitae), Labcorp
Classification: Uncertain significance for Aortic aneurysm, familial thoracic 4. Last evaluated: 2023-12-26. Review status: criteria provided, single submitter. Criteria: Invitae Variant Classification Sherloc (09022015). Collection method: clinical testing. Allele origin: germline.
Comment: This sequence change replaces proline, which is neutral and non-polar, with threonine, which is neutral and polar, at codon 82 of the MYH11 protein (p.Pro82Thr). This variant is present in population databases (no rsID available, gnomAD 0.006%). This variant has not been reported in the literature in individuals affected with MYH11-related conditions. ClinVar contains an entry for this variant (Variation ID: 519948). Advanced modeling of protein sequence and biophysical properties (such as structural, functional, and spatial information, amino acid conservation, physicochemical variation, residue mobility, and thermodynamic stability) performed at Invitae indicates that this missense variant is not expected to disrupt MYH11 protein function with a negative predictive value of 95%. In summary, the available evidence is currently insufficient to determine the role of this variant in disease. Therefore, it has been classified as a Variant of Uncertain Significance.

Ambry Genetics
Classification: Uncertain significance for Familial thoracic aortic aneurysm and aortic dissection. Last evaluated: 2017-03-14. Review status: criteria provided, single submitter. Criteria: Ambry Variant Classification Scheme 2023. Collection method: clinical testing. Allele origin: germline.
Comment: The p.P82T variant (also known as c.244C>A), located in coding exon 1 of the MYH11 gene, results from a C to A substitution at nucleotide position 244. The proline at codon 82 is replaced by threonine, an amino acid with highly similar properties, and is in the myosin head-like domain. This amino acid position is highly conserved in available vertebrate species. In addition, the in silico prediction for this alteration is inconclusive. Since supporting evidence is limited at this time, the clinical significance of this alteration remains unclear.

NM_002474.3(MYH11):c.244C>A (p.Pro82Thr)

Gene: MYH11 (myosin heavy chain 11; minus strand). Cytogenetic location: 16p13.11.
Variant type: single nucleotide variant.
Coding change: c.244C>A on transcript NM_002474.3 (MANE Select); coding-DNA position 244, C replaced by A.
Protein change: p.Pro82Thr; replaces proline 82 with threonine.
Molecular consequence: missense variant.
Genome position (GRCh38, 1-based): chr16:15,838,009, G>T on the plus strand (C>A on the coding strand, the complement: MYH11 is on the minus strand). VCF-style: chr16-15838009-G-T. GRCh37 (hg19) VCF-style: chr16-15931866-G-T.
Other names: c.244C>A, p.Pro82Thr (NM_001040113.2, NM_001040114.2, NM_022844.3); short protein forms P82T.
Identifiers: ClinVar variation 519948 (VCV000519948.8), dbSNP rs1431217461, ClinGen allele CA395198358.